The following is an entry in ClinVar:

NM_001042424.3(NSD2):c.1569dup (p.Lys524fs)

Gene: NSD2 (nuclear receptor binding SET domain protein 2; plus strand). Cytogenetic location: 4p16.3.
Variant type: Duplication.
Coding change: c.1569dup on transcript NM_001042424.3 (MANE Select); coding-DNA position 1569, one base duplicated (G; older notation c.1569dupG).
Protein change: p.Lys524fs; shifts the reading frame from lysine 524.
Molecular consequence: frameshift variant.
Genome position (GRCh38, 1-based): chr4:1,935,157, G duplicated; the last of 3 consecutive G bases (chr4:1,935,155-1,935,157); duplicating any one gives the same sequence. VCF-style (leftmost placement, unchanged base first): chr4-1935154-T-TG. GRCh37 (hg19) VCF-style: chr4-1936881-T-TG.
Other names: c.1569dupG (NM_133330.2); c.1569dup, p.Lys524fs (NM_007331.2, NM_133330.3, NM_133331.3 and 1 more transcripts); c.1569dup, p.Lys524Glufs (NM_133334.3); short protein forms K524fs.
Identifiers: ClinVar variation 599447 (VCV000599447.6), dbSNP rs1560696317, ClinGen allele CA913189845.

ClinVar aggregate classification (germline): Pathogenic. Review status: criteria provided, single submitter (1 of 4 stars). 2 submissions from 1 submitter: Pathogenic (2). Last evaluated 2018-10-30.

Conditions:
4p partial monosomy syndrome (WHS). Also called: WITTWER SYNDROME; PITT SYNDROME; Wolf-Hirschhorn syndrome; CHROMOSOME 4p16.3 DELETION SYNDROME. Identifiers: Orphanet 280, MedGen C1956097, MONDO:0008684, OMIM 194190.
Wolf-Hirschhorn like syndrome.

Submissions (2):

Institute for Genomic Medicine (IGM) Clinical Laboratory, Nationwide Children's Hospital
Classification: Pathogenic for Wolf-Hirschhorn like syndrome. Last evaluated: 2018-10-30. Review status: criteria provided, single submitter. Criteria: ACMG Guidelines, 2015. Collection method: clinical testing. Allele origin: germline. Affected: yes.
Comment: PVS1, PS2, PM2; This variant introduces a single-base-pair duplication in the coding sequence of the NSD2 gene (previously known as WHSC1)(OMIM: 602952), which leads to a shift in the protein reading frame that introduces of a premature termination codon in a gene where loss of function is a known mechanism of disease [ACMG: PVS1] (PMIDs: 29892088, 29760529, 11252005, 30345613). Sanger sequencing confirmed this to be a de novo alteration, as it was not detected in the submitted parental specimens (identity confirmed)[ACMG: PS2]. This previously undescribed alteration is absent from the Genome Aggregation Database (gnomAD; r2.0.2)[ACMG: PM2]. No evidence was found to support any of the ACMG Benign criteria; therefore, this alteration meets ACMG guidelines for classification as a pathogenic variant.

Institute for Genomic Medicine (IGM) Clinical Laboratory, Nationwide Children's Hospital
Classification: Pathogenic for Wolf-Hirschhorn syndrome. Last evaluated: 2018-10-25. Review status: criteria provided, single submitter. Criteria: ACMG Guidelines, 2015. Collection method: clinical testing. Allele origin: germline. Affected: yes.
Comment: [ACMG/AMP: PVS1, PS2, PM2] This alteration is a null variant in a gene where LOF is a known mechanism of disease [PVS1], is de novo in origin as it was not detected in the submitted parental specimens (identity confirmed) [PS2], is absent from or rarely observed in large-scale population databases [PM2].

Literature cited by the submitters: PubMed 29892088; PubMed 29760529; PubMed 11252005; PubMed 30345613.